The following is an entry in ClinVar:

NM_017649.5(CNNM2):c.1205G>T (p.Gly402Val)

Gene: CNNM2 (cyclin and CBS domain divalent metal cation transport mediator 2; plus strand). Cytogenetic location: 10q24.32.
Variant type: single nucleotide variant.
Coding change: c.1205G>T on transcript NM_017649.5 (MANE Select); coding-DNA position 1205, G replaced by T.
Protein change: p.Gly402Val; replaces glycine 402 with valine.
Molecular consequence: missense variant.
Genome position (GRCh38, 1-based): chr10:102,919,685, G>T. VCF-style: chr10-102919685-G-T. GRCh37 (hg19) VCF-style: chr10-104679442-G-T.
Other names: c.1205G>T, p.Gly402Val (NM_199076.3, NM_199077.3); short protein forms G402V.
Identifiers: ClinVar variation 420602 (VCV000420602.2), dbSNP rs1064794580, ClinGen allele CA16618925.

ClinVar aggregate classification (germline): Uncertain significance (1 of 4 stars; one submission).

Submission:

GeneDx
Classification: Uncertain significance. Last evaluated: 2016-03-08. Review status: criteria provided, single submitter. Criteria: GeneDx Variant Classification (06012015). Collection method: clinical testing. Allele origin: germline. Affected: yes.
Comment: The G402V variant in the CNNM2 gene has not been reported previously as a pathogenic variant, nor as a benign variant, to our knowledge. The G402V variant was not observed in approximately 6500 individuals of European and African American ancestry in the NHLBI Exome Sequencing Project, indicating it is not a common benign variant in these populations. The G402V variant is a conservative amino acid substitution, which occurs at a position that is conserved across species. In silico analysis predicts this variant is probably damaging to the protein structure/function. We interpret G402V as a variant of uncertain significance